The following is an entry in ClinVar:

NM_016169.4(SUFU):c.*1672A>G

Gene: SUFU (SUFU negative regulator of hedgehog signaling; plus strand). Cytogenetic location: 10q24.32.
Variant type: single nucleotide variant.
Coding change: c.*1672A>G on transcript NM_016169.4 (MANE Select); 1672 bases downstream of the stop codon, A replaced by G.
Molecular consequence: 3 prime UTR variant.
Genome position (GRCh38, 1-based): chr10:102,631,827, A>G. VCF-style: chr10-102631827-A-G. GRCh37 (hg19) VCF-style: chr10-104391584-A-G.
Identifiers: ClinVar variation 298592 (VCV000298592.6), dbSNP rs117196884, ClinGen allele CA10630822.

ClinVar aggregate classification (germline): Likely benign. Review status: criteria provided, multiple submitters, no conflicts (2 of 4 stars). 2 submissions from 2 submitters: Likely benign (2). Last evaluated 2018-01-12.

Conditions:
Medulloblastoma (MDB). Also called: Medulloblastoma, somatic; MEDULLOBLASTOMA PREDISPOSITION SYNDROME. Identifiers: Orphanet 616, MedGen C0025149, MeSH D008527, MONDO:0007959, OMIM 155255, HP:0002885.

Allele frequency attached by ClinVar (database versions not stated): 1000 Genomes Project 30x 0.00609; 1000 Genomes Project 0.00639; TOPMed 0.00732; gnomAD 0.00983 and 0.01007; gnomAD exomes 0.01037.
gnomAD v4.1: 2,351 of 233,328 alleles (1%); highest among the groups gnomAD compares: Middle Eastern, 2.3%; 25 homozygotes.

Submissions (2):

Illumina Laboratory Services, Illumina
Classification: Likely benign for Medulloblastoma. Last evaluated: 2018-01-12. Review status: criteria provided, single submitter. Criteria: ICSL Variant Classification Criteria 13 December 2019. Collection method: clinical testing. Allele origin: germline.
Comment: This variant was observed in the ICSL laboratory as part of a predisposition screen in an ostensibly healthy population. It had not been previously curated by ICSL or reported in the Human Gene Mutation Database (HGMD: prior to June 1st, 2018), and was therefore a candidate for classification through an automated scoring system. Utilizing variant allele frequency, disease prevalence and penetrance estimates, and inheritance mode, an automated score was calculated to assess if this variant is too frequent to cause the disease. Based on the score and internal cut-off values, a variant classified as likely benign is not then subjected to further curation. The score for this variant resulted in a classification of likely benign for this disease.

Breakthrough Genomics
Classification: Likely benign. Review status: criteria provided, single submitter. Criteria: ACMG Guidelines, 2015. Collection method: not provided. Allele origin: germline. Inheritance: Autosomal recessive inheritance. Affected: yes.